The following is an entry in ClinVar:

NM_024422.6(DSC2):c.1898C>T (p.Ala633Val)

Gene: DSC2 (desmocollin 2; minus strand). Cytogenetic location: 18q12.1.
Variant type: single nucleotide variant.
Coding change: c.1898C>T on transcript NM_024422.6 (MANE Select); coding-DNA position 1898, C replaced by T.
Protein change: p.Ala633Val; replaces alanine 633 with valine.
Molecular consequence: missense variant.
Genome position (GRCh38, 1-based): chr18:31,071,832, G>A on the plus strand (C>T on the coding strand, the complement: DSC2 is on the minus strand). VCF-style: chr18-31071832-G-A. GRCh37 (hg19) VCF-style: chr18-28651798-G-A.
Other names: c.1898C>T, p.Ala633Val (NM_004949.5); short protein forms A633V.
Identifiers: ClinVar variation 926466 (VCV000926466.3), dbSNP rs1986847217, ClinGen allele CA402113506.
Genomic context (GRCh38, chr18:31,071,832, plus strand): 5'-CTCACTGTTATAGGTACTACATATGAGCCAAATGGAGGATCATTCTGATAGGAAAGACGT[G>A]CTGCTGTATCTGAAAATATAAATAAATAAAACCAAACATTATACAATGTCACTGATTTCT-3'
Protein context (NP_077740.1, residues 623-643): WRLKAINDTA[Ala633Val]RLSYQNDPPF

ClinVar aggregate classification (germline): Uncertain significance (1 of 4 stars; one submission).

Conditions:
Cardiomyopathy (CMYO). Also called: Cardiomyopathies. Identifiers: Orphanet 167848, MedGen C0878544, MONDO:0004994, HP:0001638. Inheritance: Various modes of inheritance.

Allele frequency attached by ClinVar (database versions not stated): gnomAD exomes below 0.00001.
gnomAD v4.1: 1 of 1,612,474 alleles (0.000062%); highest among the groups gnomAD compares: Non-Finnish European, 0.000085%; no homozygotes.

Submission:

Color Diagnostics, LLC DBA Color Health
Classification: Uncertain significance for Cardiomyopathy. Last evaluated: 2019-08-09. Review status: criteria provided, single submitter. Criteria: ACMG Guidelines, 2015. Collection method: clinical testing. Allele origin: germline.
Comment: This missense variant replaces alanine with valine at codon 633 of the DSC2 protein. Computational prediction tools and conservation analyses are inconclusive regarding the impact of this variant on the protein function. Computational splicing tools suggest that this variant may not impact RNA splicing. To our knowledge, functional assays have not been performed for this variant nor has this variant been reported in individuals affected with cardiovascular disorders in the literature. This variant has not been identified in the general population by the Genome Aggregation Database (gnomAD). Available evidence is insufficient to determine the role of this variant in disease conclusively. Therefore, this variant is classified as a Variant of Uncertain Significance.